The following is an entry in ClinVar:

GRCh37/hg19 22q11.21(chr22:18900895-18923882)

Gene: PRODH (proline dehydrogenase 1; minus strand). Cytogenetic location: 22q11.21.
Variant type: copy number loss.
Identifiers: ClinVar variation 1179165 (VCV001179165.2).

ClinVar aggregate classification (germline): Likely pathogenic (0 of 4 stars; one submission).

Conditions:
Proline dehydrogenase deficiency (HYRPRO1). Also called: Hyperprolinemia type 1; PROLINE OXIDASE DEFICIENCY. Identifiers: Orphanet 419, MedGen C0268529, MONDO:0009400, OMIM 239500.
Schizophrenia 4 (SCZD4). Also called: SCHIZOPHRENIA SUSCEPTIBILITY LOCUS, CHROMOSOME 22q11-RELATED; SCHIZOPHRENIA, SUSCEPTIBILITY TO, 4. Identifiers: MedGen C1833247, MONDO:0010943, OMIM 600850.

Submission:

Fulgent Genetics
Classification: Likely pathogenic for Proline dehydrogenase deficiency; Schizophrenia 4. Review status: no assertion criteria provided. Collection method: clinical testing. Allele origin: unknown.
Comment: This variant has been detected in individual(s) who were sent for testing of Renasight - kidney gene panel.